The following is an entry in ClinVar:

ClinVar aggregate classification (germline): Uncertain significance (1 of 4 stars; one submission).

Conditions:
Intellectual developmental disorder, X-linked 1. Also called: Atkin Flaitz Patil Smith syndrome; Intellectual disability, X-linked 1; MENTAL RETARDATION, X-LINKED 18; MENTAL RETARDATION, X-LINKED 78. Identifiers: Orphanet 777, MedGen C2931498, MONDO:0010656, OMIM 309530.

gnomAD v4.1: 1 of 1,208,193 alleles (0.000083%); highest among the groups gnomAD compares: African/African-American, 0.0017%; no homozygotes.

Submission:

Labcorp Genetics (formerly Invitae), Labcorp
Classification: Uncertain significance for Intellectual developmental disorder, X-linked 1. Last evaluated: 2024-10-17. Review status: criteria provided, single submitter. Criteria: Invitae Variant Classification Sherloc (09022015). Collection method: clinical testing. Allele origin: germline.
Comment: This sequence change replaces arginine, which is basic and polar, with histidine, which is basic and polar, at codon 646 of the IQSEC2 protein (p.Arg646His). This variant is not present in population databases (gnomAD no frequency). This variant has not been reported in the literature in individuals affected with IQSEC2-related conditions. Invitae Evidence Modeling of protein sequence and biophysical properties (such as structural, functional, and spatial information, amino acid conservation, physicochemical variation, residue mobility, and thermodynamic stability) indicates that this missense variant is not expected to disrupt IQSEC2 protein function with a negative predictive value of 95%. In summary, the available evidence is currently insufficient to determine the role of this variant in disease. Therefore, it has been classified as a Variant of Uncertain Significance.

NM_001111125.3(IQSEC2):c.1937G>A (p.Arg646His)

Gene: IQSEC2 (IQ motif and Sec7 domain ArfGEF 2; minus strand). Cytogenetic location: Xp11.22.
Variant type: single nucleotide variant.
Coding change: c.1937G>A on transcript NM_001111125.3 (MANE Select); coding-DNA position 1937, G replaced by A.
Protein change: p.Arg646His; replaces arginine 646 with histidine.
Molecular consequence: missense variant.
Genome position (GRCh38, 1-based): chrX:53,250,639, C>T on the plus strand (G>A on the coding strand, the complement: IQSEC2 is on the minus strand). VCF-style: chrX-53250639-C-T. GRCh37 (hg19) VCF-style: chrX-53279821-C-T.
Other names: c.1937G>A, p.Arg646His (NM_001410736.1); c.1322G>A, p.Arg441His (NM_015075.2); short protein forms R646H, R441H.
Identifiers: ClinVar variation 2983561 (VCV002983561.3), dbSNP rs2519801642, ClinGen allele CA413162784.